The following is an entry in ClinVar:

ClinVar aggregate classification (germline): Uncertain significance (1 of 4 stars; one submission).

Conditions:
Intellectual developmental disorder, X-linked 1. Also called: MENTAL RETARDATION, X-LINKED 18; MENTAL RETARDATION, X-LINKED 78; Atkin Flaitz Patil Smith syndrome; Intellectual disability, X-linked 1. Identifiers: Orphanet 777, MedGen C2931498, MONDO:0010656, OMIM 309530.

Allele frequency attached by ClinVar (database versions not stated): gnomAD exomes below 0.00001; gnomAD 0.00001; TOPMed 0.00001.
gnomAD v4.1: 2 of 1,165,828 alleles (0.00017%); highest among the groups gnomAD compares: African/African-American, 0.0036%; no homozygotes.

Submission:

Labcorp Genetics (formerly Invitae), Labcorp
Classification: Uncertain significance for Intellectual developmental disorder, X-linked 1. Last evaluated: 2023-10-23. Review status: criteria provided, single submitter. Criteria: Invitae Variant Classification Sherloc (09022015). Collection method: clinical testing. Allele origin: germline.
Comment: This sequence change replaces histidine, which is basic and polar, with tyrosine, which is neutral and polar, at codon 1239 of the IQSEC2 protein (p.His1239Tyr). This variant is not present in population databases (gnomAD no frequency). This variant has not been reported in the literature in individuals affected with IQSEC2-related conditions. Advanced modeling of protein sequence and biophysical properties (such as structural, functional, and spatial information, amino acid conservation, physicochemical variation, residue mobility, and thermodynamic stability) performed at Invitae indicates that this missense variant is not expected to disrupt IQSEC2 protein function. In summary, the available evidence is currently insufficient to determine the role of this variant in disease. Therefore, it has been classified as a Variant of Uncertain Significance.

NM_001111125.3(IQSEC2):c.3715C>T (p.His1239Tyr)

Gene: IQSEC2 (IQ motif and Sec7 domain ArfGEF 2; minus strand). Cytogenetic location: Xp11.22.
Variant type: single nucleotide variant.
Coding change: c.3715C>T on transcript NM_001111125.3 (MANE Select); coding-DNA position 3715, C replaced by T.
Protein change: p.His1239Tyr; replaces histidine 1239 with tyrosine.
Molecular consequence: missense variant. On other transcripts: 3 prime UTR variant (2).
Genome position (GRCh38, 1-based): chrX:53,234,971, G>A on the plus strand (C>T on the coding strand, the complement: IQSEC2 is on the minus strand). VCF-style: chrX-53234971-G-A. GRCh37 (hg19) VCF-style: chrX-53264153-G-A.
Other names: c.*200C>T (NM_001410736.1, NM_015075.2); short protein forms H1239Y.
Identifiers: ClinVar variation 2904230 (VCV002904230.3), dbSNP rs1243485516, ClinGen allele CA413141290.